The following is an entry in ClinVar:

ClinVar aggregate classification (germline): Likely benign. Review status: criteria provided, multiple submitters, no conflicts (2 of 4 stars). 2 submissions from 2 submitters: Likely benign (2). Last evaluated 2025-09-15.

Conditions:
Alpha-1-antitrypsin deficiency (A1ATD). Also called: AAT deficiency; A1AT deficiency; Alpha1-Antitrypsin Deficiency. Identifiers: Orphanet 60, MedGen C0221757, MONDO:0013282, OMIM 613490.

Allele frequency attached by ClinVar (database versions not stated): gnomAD exomes below 0.00001 and 0.00002; ExAC 0.00001; gnomAD 0.00001; TOPMed 0.00003; ESP Exome Variant Server 0.00008; 1000 Genomes Project 30x 0.00016; 1000 Genomes Project 0.00020.
gnomAD v4.1: 35 of 1,613,958 alleles (0.0022%); highest among the groups gnomAD compares: East Asian, 0.0067%; no homozygotes.

Submissions (2):

Mayo Clinic Laboratories, Mayo Clinic
Classification: Likely benign. Last evaluated: 2025-09-15. Review status: criteria provided, single submitter. Criteria: ACMG Guidelines, 2015. Collection method: clinical testing. Allele origin: germline. Observed: 1 variant allele.
Comment: BP4, BP7, PM2_supporting

Labcorp Genetics (formerly Invitae), Labcorp
Classification: Likely benign for Alpha-1-antitrypsin deficiency. Last evaluated: 2025-07-06. Review status: criteria provided, single submitter. Criteria: Invitae Variant Classification Sherloc (09022015). Collection method: clinical testing. Allele origin: germline.

NM_000295.5(SERPINA1):c.717C>T (p.Thr239=)

Gene: SERPINA1 (serpin family A member 1; minus strand). Cytogenetic location: 14q32.13.
Variant type: single nucleotide variant.
Coding change: c.717C>T on transcript NM_000295.5 (MANE Select); coding-DNA position 717, C replaced by T.
Protein change: p.Thr239=; no amino-acid change (threonine 239 retained).
Molecular consequence: synonymous variant.
Genome position (GRCh38, 1-based): chr14:94,381,071, G>A on the plus strand (C>T on the coding strand, the complement: SERPINA1 is on the minus strand). VCF-style: chr14-94381071-G-A. GRCh37 (hg19) VCF-style: chr14-94847408-G-A.
Other names: p.Thr239=; c.717C>T, p.Thr239= (NM_001002235.3, NM_001002236.3, NM_001127700.2 and 7 more transcripts).
Identifiers: ClinVar variation 1673475 (VCV001673475.9), dbSNP rs200634040, ClinGen allele CA7327420.
Genomic context (GRCh38, chr14:94,381,071, plus strand): 5'-CAGCTTCTTACAGTGCTGGATGTTAAACATGCCTAAACGCTTCATCATAGGCACCTTCAC[G>A]GTGGTCACCTGGTCCACGTGGAAGTCCTCTTCCTCGGTGTCCTTGACTTCAAAGGGTCTC-3'
Protein context (NP_000286.3, residues 229-249): EEDFHVDQVT[Thr239=]VKVPMMKRLG